The following is an entry in ClinVar:

ClinVar aggregate classification (germline): Uncertain significance (1 of 4 stars; one submission).

Conditions:
Autosomal recessive spinocerebellar ataxia 12. Also called: SPINOCEREBELLAR ATAXIA WITH MENTAL RETARDATION AND EPILEPSY. Identifiers: Orphanet 284282, MedGen C3280452, MONDO:0013687, OMIM 614322.
Developmental and epileptic encephalopathy, 1 (DEE1). Also called: X-linked infantile spasms; West's syndrome; Tonic spasms with clustering, arrest of psychomotor development and hypsarrhythmia on EEG; X-Linked Infantile Spasm Syndrome; OHTAHARA SYNDROME, X-LINKED; Epileptic encephalopathy, early infantile, 1. Identifiers: MedGen C3463992, MONDO:0010632, OMIM 308350. Disease mechanism: loss of function.

Submission:

Labcorp Genetics (formerly Invitae), Labcorp
Classification: Uncertain significance for Developmental and epileptic encephalopathy, 1; Autosomal recessive spinocerebellar ataxia 12. Last evaluated: 2023-08-17. Review status: criteria provided, single submitter. Criteria: Invitae Variant Classification Sherloc (09022015). Collection method: clinical testing. Allele origin: germline.
Comment: This variant results in a copy number gain of the genomic region encompassing exon(s) 1-7 of the WWOX gene. This region includes the initiator codon of the gene. This copy number gain extends beyond the assayed region for this gene and therefore may encompass additional genes. As the precise location of this event is unknown, it may be in tandem or it may be located elsewhere in the genome. This variant has not been reported in the literature in individuals affected with WWOX-related conditions. In summary, the available evidence is currently insufficient to determine the role of this variant in disease. Therefore, it has been classified as a Variant of Uncertain Significance.

NC_000016.9:g.(?_78133656)_(78458972_?)dup

Gene: WWOX (WW domain containing oxidoreductase; plus strand). Cytogenetic location: 16q23.1.
Variant type: Duplication.
Identifiers: ClinVar variation 1054449 (VCV001054449.8).